The following is an entry in ClinVar:

ClinVar aggregate classification (germline): Uncertain significance (1 of 4 stars; one submission).

Conditions:
Hereditary cancer-predisposing syndrome. Also called: Neoplastic Syndromes, Hereditary; Tumor predisposition; Hereditary Cancer Syndrome; Hereditary neoplastic syndrome. Identifiers: Orphanet 140162, MedGen C0027672, MeSH D009386, MONDO:0015356.

Submission:

Ambry Genetics
Classification: Uncertain significance for Hereditary cancer-predisposing syndrome. Last evaluated: 2020-10-13. Review status: criteria provided, single submitter. Criteria: Ambry Variant Classification Scheme 2023. Collection method: clinical testing. Allele origin: germline.
Comment: The p.F138Y variant (also known as c.413T>A), located in coding exon 4 of the NBN gene, results from a T to A substitution at nucleotide position 413. The phenylalanine at codon 138 is replaced by tyrosine, an amino acid with highly similar properties. This amino acid position is poorly conserved in available vertebrate species. In addition, this alteration is predicted to be tolerated by in silico analysis. Since supporting evidence is limited at this time, the clinical significance of this alteration remains unclear.

NM_002485.5(NBN):c.413T>A (p.Phe138Tyr)

Gene: NBN (nibrin; minus strand). Cytogenetic location: 8q21.3.
Variant type: single nucleotide variant.
Coding change: c.413T>A on transcript NM_002485.5 (MANE Select); coding-DNA position 413, T replaced by A.
Protein change: p.Phe138Tyr; replaces phenylalanine 138 with tyrosine.
Molecular consequence: missense variant.
Genome position (GRCh38, 1-based): chr8:89,980,801, A>T on the plus strand (T>A on the coding strand, the complement: NBN is on the minus strand). VCF-style: chr8-89980801-A-T. GRCh37 (hg19) VCF-style: chr8-90993029-A-T.
Other names: c.167T>A, p.Phe56Tyr (NM_001024688.3); short protein forms F138Y, F56Y.
Identifiers: ClinVar variation 1738150 (VCV001738150.2), dbSNP rs2488356011, ClinGen allele CA371661821.